The following is an entry in ClinVar:

NM_001211.6(BUB1B):c.1325T>C (p.Met442Thr)

Gene: BUB1B (BUB1 mitotic checkpoint serine/threonine kinase B; plus strand). Cytogenetic location: 15q15.1.
Variant type: single nucleotide variant.
Coding change: c.1325T>C on transcript NM_001211.6 (MANE Select); coding-DNA position 1325, T replaced by C.
Protein change: p.Met442Thr; replaces methionine 442 with threonine.
Molecular consequence: missense variant.
Genome position (GRCh38, 1-based): chr15:40,199,651, T>C. VCF-style: chr15-40199651-T-C. GRCh37 (hg19) VCF-style: chr15-40491852-T-C.
Other names: short protein forms M442T.
Identifiers: ClinVar variation 3221344 (VCV003221344.1), dbSNP rs2037539639, ClinGen allele CA391688717.

ClinVar aggregate classification (germline): Uncertain significance (1 of 4 stars; one submission).

Conditions:
Inborn genetic diseases. Identifiers: MedGen C0950123, MeSH D030342.

Submission:

Ambry Genetics
Classification: Uncertain significance for Inborn genetic diseases. Last evaluated: 2024-02-02. Review status: criteria provided, single submitter. Criteria: Ambry Variant Classification Scheme 2023. Collection method: clinical testing. Allele origin: germline.
Comment: The p.M442T variant (also known as c.1325T>C), located in coding exon 10 of the BUB1B gene, results from a T to C substitution at nucleotide position 1325. The methionine at codon 442 is replaced by threonine, an amino acid with similar properties. This amino acid position is conserved. In addition, the in silico prediction for this alteration is inconclusive. Based on the available evidence, the clinical significance of this alteration remains unclear.